The following is an entry in ClinVar:

ClinVar aggregate classification (germline): Uncertain significance (1 of 4 stars; one submission).

Conditions:
Inborn genetic diseases. Identifiers: MedGen C0950123, MeSH D030342.

Submission:

Ambry Genetics
Classification: Uncertain significance for Inborn genetic diseases. Last evaluated: 2025-05-15. Review status: criteria provided, single submitter. Criteria: Ambry Variant Classification Scheme 2023. Collection method: clinical testing. Allele origin: germline.
Comment: The p.R593S variant (also known as c.1779G>C), located in coding exon 20 of the RTEL1 gene, results from a G to C substitution at nucleotide position 1779. The arginine at codon 593 is replaced by serine, an amino acid with dissimilar properties. This amino acid position is conserved. In addition, the in silico prediction for this alteration is inconclusive. Based on the available evidence, the clinical significance of this variant remains unclear.

NM_001283009.2(RTEL1):c.1779G>C (p.Arg593Ser)

Genes: RTEL1 (regulator of telomere elongation helicase 1; plus strand), RTEL1-TNFRSF6B (RTEL1-TNFRSF6B readthrough (NMD candidate); plus strand). Cytogenetic location: 20q13.33.
Variant type: single nucleotide variant.
Coding change: c.1779G>C on transcript NM_001283009.2 (MANE Select); coding-DNA position 1779, G replaced by C.
Protein change: p.Arg593Ser; replaces arginine 593 with serine.
Molecular consequence: missense variant. On other transcripts: non-coding transcript variant (1).
Genome position (GRCh38, 1-based): chr20:63,688,584, G>C. VCF-style: chr20-63688584-G-C. GRCh37 (hg19) VCF-style: chr20-62319937-G-C.
Other names: c.1110G>C, p.Arg370Ser (NM_001283010.1); c.1779G>C, p.Arg593Ser (NM_016434.4); c.1851G>C, p.Arg617Ser (NM_032957.5); short protein forms R617S, R370S, R593S.
Identifiers: ClinVar variation 3948393 (VCV003948393.1).